The following is an entry in ClinVar:

ClinVar aggregate classification (germline): Uncertain significance (1 of 4 stars; one submission).

Conditions:
Chromosome 2q32-q33 deletion syndrome (GLASS). Also called: 2q33.1 deletion syndrome; Glass syndrome. Identifiers: Orphanet 251019, MedGen C2676739, MONDO:0012864, OMIM 612313.

Allele frequency attached by ClinVar (database versions not stated): gnomAD exomes below 0.00001; gnomAD 0.00001.
gnomAD v4.1: 2 of 1,613,982 alleles (0.00012%); highest among the groups gnomAD compares: African/African-American, 0.0013%; no homozygotes.

Submission:

Labcorp Genetics (formerly Invitae), Labcorp
Classification: Uncertain significance for Chromosome 2q32-q33 deletion syndrome. Last evaluated: 2023-12-30. Review status: criteria provided, single submitter. Criteria: Invitae Variant Classification Sherloc (09022015). Collection method: clinical testing. Allele origin: germline.
Comment: This sequence change replaces arginine, which is basic and polar, with glycine, which is neutral and non-polar, at codon 561 of the SATB2 protein (p.Arg561Gly). This variant is not present in population databases (gnomAD no frequency). This variant has not been reported in the literature in individuals affected with SATB2-related conditions. Advanced modeling of protein sequence and biophysical properties (such as structural, functional, and spatial information, amino acid conservation, physicochemical variation, residue mobility, and thermodynamic stability) performed at Invitae indicates that this missense variant is not expected to disrupt SATB2 protein function with a negative predictive value of 80%. In summary, the available evidence is currently insufficient to determine the role of this variant in disease. Therefore, it has been classified as a Variant of Uncertain Significance.

NM_001172509.2(SATB2):c.1681A>G (p.Arg561Gly)

Gene: SATB2 (SATB homeobox 2; minus strand). Cytogenetic location: 2q33.1.
Variant type: single nucleotide variant.
Coding change: c.1681A>G on transcript NM_001172509.2 (MANE Select); coding-DNA position 1681, A replaced by G.
Protein change: p.Arg561Gly; replaces arginine 561 with glycine.
Molecular consequence: missense variant.
Genome position (GRCh38, 1-based): chr2:199,308,819, T>C on the plus strand (A>G on the coding strand, the complement: SATB2 is on the minus strand). VCF-style: chr2-199308819-T-C. GRCh37 (hg19) VCF-style: chr2-200173542-T-C.
Other names: c.1681A>G, p.Arg561Gly (NM_001172517.1, NM_015265.4); short protein forms R561G.
Identifiers: ClinVar variation 2841437 (VCV002841437.3), dbSNP rs1687513393, ClinGen allele CA350384372.